The following is an entry in ClinVar:

NM_001330700.2(TOP2B):c.1895dup (p.Tyr633fs)

Gene: TOP2B (DNA topoisomerase II beta; minus strand). Cytogenetic location: 3p24.2.
Variant type: Duplication.
Coding change: c.1895dup on transcript NM_001330700.2 (MANE Select); coding-DNA position 1895, one base duplicated (A; older notation c.1895dupA).
Protein change: p.Tyr633fs; shifts the reading frame from tyrosine 633.
Molecular consequence: frameshift variant.
Genome position (GRCh38, 1-based): chr3:25,628,858, T duplicated on the plus strand (A on the coding strand, the reverse complement: TOP2B is on the minus strand); the first of 3 consecutive T bases (chr3:25,628,858-25,628,860); duplicating any one gives the same sequence. VCF-style (leftmost placement, unchanged base first): chr3-25628857-C-CT. GRCh37 (hg19) VCF-style: chr3-25670348-C-CT.
Other names: c.1880dup, p.Tyr628fs (NM_001068.3); c.1880dupA (NM_001068.3); short protein forms Y628fs, Y633fs.
Identifiers: ClinVar variation 1705240 (VCV001705240.1), dbSNP rs2470349896, ClinGen allele CA2580069206.
Genomic context (GRCh38, chr3:25,628,857, plus strand): 5'-AGAATACATTTATATCAGTATTTAAAATCTAAGTATTTTAAAATACAAACCTTTATAGTA[C>CT]TTTATTTTCCAGGCTTTCTGGTTTTCTATATGTTTTTTCCATTCGTCAAATTCAGGAATA-3'

ClinVar aggregate classification (germline): Uncertain significance (1 of 4 stars; one submission).

Submission:

Women's Health and Genetics/Laboratory Corporation of America, LabCorp
Classification: Uncertain significance. Last evaluated: 2022-08-30. Review status: criteria provided, single submitter. Criteria: LabCorp Variant Classification Summary - May 2015. Collection method: clinical testing. Allele origin: germline.
Comment: Variant summary: TOP2B c.1880dupA (p.Tyr628ValfsX3) results in a premature termination codon, predicted to cause a truncation of the encoded protein or absence of the protein due to nonsense mediated decay. However, truncations in TOP2B have not been classified as pathogenic by our laboratory or in ClinVar and current clinical and genetic evidence is not sufficient to conclusively determine if loss-of-function is a mechanism of disease. The variant was absent in 214544 control chromosomes (gnomAD). To our knowledge, no occurrence of c.1880dupA in individuals affected with TOP2B-Related Disorders and no experimental evidence demonstrating its impact on protein function have been reported. No clinical diagnostic laboratories have submitted clinical-significance assessments for this variant to ClinVar after 2014. Based on the evidence outlined above, the variant was classified as uncertain significance.